The following is an entry in ClinVar:

NM_174916.3(UBR1):c.3209+3A>G

Gene: UBR1 (ubiquitin protein ligase E3 component n-recognin 1; minus strand). Cytogenetic location: 15q15.2.
Variant type: single nucleotide variant.
Coding change: c.3209+3A>G on transcript NM_174916.3 (MANE Select); 3 bases into the intron after coding-DNA position 3209, A replaced by G.
Molecular consequence: intron variant.
Genome position (GRCh38, 1-based): chr15:43,015,685, T>C on the plus strand (A>G on the coding strand, the complement: UBR1 is on the minus strand). VCF-style: chr15-43015685-T-C. GRCh37 (hg19) VCF-style: chr15-43307883-T-C.
Identifiers: ClinVar variation 4979975 (VCV004979975.1).

ClinVar aggregate classification (germline): Likely benign (1 of 4 stars; one submission).

Conditions:
UBR1-related disorder. Also called: UBR1-related condition.

gnomAD v4.1: 50 of 1,613,588 alleles (0.0031%); highest among the groups gnomAD compares: African/African-American, 0.043%; no homozygotes.

Submission:

PreventionGenetics, part of Exact Sciences
Classification: Likely benign for UBR1-related condition. Last evaluated: 2025-10-15. Review status: criteria provided, single submitter. Criteria: ACMG Guidelines, 2015. Collection method: clinical testing. Allele origin: germline.
Comment: This variant is classified as likely benign based on ACMG/AMP sequence variant interpretation guidelines (Richards et al. 2015 PMID: 25741868, with internal and published modifications).